The following is an entry in ClinVar:

ClinVar aggregate classification (germline): Likely benign (0 of 4 stars; one submission).

Conditions:
CEP170B-related disorder. Also called: CEP170B-related condition.

Allele frequency attached by ClinVar (database versions not stated): gnomAD exomes 0.00021; ExAC 0.00073; 1000 Genomes Project 0.00100; 1000 Genomes Project 30x 0.00109; gnomAD 0.00180; ESP Exome Variant Server 0.00202.

Submission:

PreventionGenetics, part of Exact Sciences
Classification: Likely benign for CEP170B-related condition. Last evaluated: 2019-10-28. Review status: no assertion criteria provided. Collection method: clinical testing. Allele origin: germline.
Comment: This variant is classified as likely benign based on ACMG/AMP sequence variant interpretation guidelines (Richards et al. 2015 PMID: 25741868, with internal and published modifications).

NM_001112726.3(CEP170B):c.905C>T (p.Ala302Val)

Gene: CEP170B (centrosomal protein 170B; plus strand). Cytogenetic location: 14q32.33.
Variant type: single nucleotide variant.
Coding change: c.905C>T on transcript NM_001112726.3 (MANE Select); coding-DNA position 905, C replaced by T.
Protein change: p.Ala302Val; replaces alanine 302 with valine.
Molecular consequence: missense variant.
Genome position (GRCh38, 1-based): chr14:104,883,362, C>T. VCF-style: chr14-104883362-C-T. GRCh37 (hg19) VCF-style: chr14-105349699-C-T.
Other names: c.695C>T, p.Ala232Val (NM_015005.3); short protein forms A232V, A302V.
Identifiers: ClinVar variation 3045284 (VCV003045284.2), dbSNP rs115828369, ClinGen allele CA7375434.